The following is an entry in ClinVar:

NM_001130004.2(ACTN1):c.2726A>G (p.Tyr909Cys)

Gene: ACTN1 (actinin alpha 1; minus strand). Cytogenetic location: 14q24.1.
Variant type: single nucleotide variant.
Coding change: c.2726A>G on transcript NM_001130004.2 (MANE Select); coding-DNA position 2726, A replaced by G.
Protein change: p.Tyr909Cys; replaces tyrosine 909 with cysteine.
Molecular consequence: missense variant.
Genome position (GRCh38, 1-based): chr14:68,874,878, T>C on the plus strand (A>G on the coding strand, the complement: ACTN1 is on the minus strand). VCF-style: chr14-68874878-T-C. GRCh37 (hg19) VCF-style: chr14-69341595-T-C.
Other names: c.2660A>G, p.Tyr887Cys (NM_001102.4); c.2645A>G, p.Tyr882Cys (NM_001130005.2); c.2669A>G, p.Tyr890Cys (NM_001411035.1); c.2465A>G, p.Tyr822Cys (NM_001411036.1); short protein forms Y822C, Y882C, Y887C, Y890C, Y909C.
Identifiers: ClinVar variation 2501828 (VCV002501828.1), dbSNP rs2503034927, ClinGen allele CA390178629.

ClinVar aggregate classification (germline): Uncertain significance (1 of 4 stars; one submission).

Allele frequency attached by ClinVar (database versions not stated): gnomAD exomes below 0.00001.
gnomAD v4.1: 1 of 1,598,392 alleles (0.000063%); highest among the groups gnomAD compares: Non-Finnish European, 0.000086%; no homozygotes.

Submission:

GeneDx
Classification: Uncertain significance. Last evaluated: 2022-11-14. Review status: criteria provided, single submitter. Criteria: GeneDx Variant Classification Process June 2021. Collection method: clinical testing. Allele origin: germline. Affected: yes.
Comment: Not observed at significant frequency in large population cohorts (gnomAD); In silico analysis supports that this missense variant has a deleterious effect on protein structure/function; Has not been previously published as pathogenic or benign to our knowledge